The following is an entry in ClinVar:

ClinVar aggregate classification (germline): Pathogenic (1 of 4 stars; one submission).

Conditions:
Walker-Warburg congenital muscular dystrophy. Also called: Muscular dystrophy-dystroglycanopathy, type A; Walker-Warburg syndrome. Identifiers: Orphanet 899, MedGen C0265221, MONDO:0000171.
Muscular dystrophy-dystroglycanopathy (congenital with impaired intellectual development), type B, 1. Also called: MUSCULAR DYSTROPHY, CONGENITAL, POMT1-RELATED; Muscular dystrophy-dystroglycanopathy (congenital with intellectual disability), type B1. Identifiers: MedGen C5436962, MONDO:0013159, OMIM 613155.
Autosomal recessive limb-girdle muscular dystrophy type 2K. Also called: MUSCULAR DYSTROPHY-DYSTROGLYCANOPATHY (LIMB-GIRDLE), TYPE C, 1; MUSCULAR DYSTROPHY, LIMB-GIRDLE, TYPE 2K. Identifiers: Orphanet 86812, MedGen C1836373, MONDO:0012248, OMIM 609308.

Submission:

Labcorp Genetics (formerly Invitae), Labcorp
Classification: Pathogenic for Muscular dystrophy-dystroglycanopathy (congenital with impaired intellectual development), type B, 1; Walker-Warburg congenital muscular dystrophy; Autosomal recessive limb-girdle muscular dystrophy type 2K. Last evaluated: 2023-07-17. Review status: criteria provided, single submitter. Criteria: Invitae Variant Classification Sherloc (09022015). Collection method: clinical testing. Allele origin: germline.
Comment: This sequence change creates a premature translational stop signal (p.Glu427Glyfs*7) in the POMT1 gene. It is expected to result in an absent or disrupted protein product. Loss-of-function variants in POMT1 are known to be pathogenic (PMID: 12369018, 15637732, 16575835). This variant is not present in population databases (gnomAD no frequency). This variant has not been reported in the literature in individuals affected with POMT1-related conditions. For these reasons, this variant has been classified as Pathogenic.

Literature cited by the submitters: PubMed 12369018; PubMed 15637732; PubMed 16575835.

NM_001077365.2(POMT1):c.1211dup (p.Glu405fs)

Gene: POMT1 (protein O-mannosyltransferase 1; plus strand). Cytogenetic location: 9q34.13.
Variant type: Duplication.
Coding change: c.1211dup on transcript NM_001077365.2 (MANE Select); coding-DNA position 1211, one base duplicated (A; older notation c.1211dupA).
Protein change: p.Glu405fs; shifts the reading frame from glutamic acid 405.
Molecular consequence: frameshift variant. On other transcripts: non-coding transcript variant (10).
Genome position (GRCh38, 1-based): chr9:131,515,461, A duplicated. VCF-style (leftmost placement, unchanged base first): chr9-131515460-C-CA. GRCh37 (hg19) VCF-style: chr9-134390847-C-CA.
Other names: c.860dup, p.Glu288fs (NM_001136114.2, NM_001353195.2, NM_001374691.1 and 2 more transcripts); c.1277dup, p.Glu427fs (NM_001353193.2, NM_007171.4); c.1049dup, p.Glu351fs (NM_001353194.2, NM_001077366.2); c.1121dup, p.Glu375fs (NM_001353196.2); c.1115dup, p.Glu373fs (NM_001353197.2, NM_001353198.2); c.926dup, p.Glu310fs (NM_001353199.2); c.755dup, p.Glu253fs (NM_001353200.2); c.1199dup, p.Glu401fs (NM_001374689.1); and 3 more; short protein forms E373fs, E375fs, E405fs, E253fs, E427fs, E275fs, E351fs, E401fs.
Identifiers: ClinVar variation 2949697 (VCV002949697.3), dbSNP rs2539265508, ClinGen allele CA2740092892.